The following is an entry in ClinVar:

ClinVar aggregate classification (germline): Uncertain significance (1 of 4 stars; one submission).

Allele frequency attached by ClinVar (database versions not stated): ExAC 0.00002; gnomAD exomes 0.00003 and 0.00005; TOPMed 0.00005; ESP Exome Variant Server 0.00023.
gnomAD v4.1: 70 of 1,612,778 alleles (0.0043%); highest among the groups gnomAD compares: Non-Finnish European, 0.0055%; no homozygotes.

Submission:

Labcorp Genetics (formerly Invitae), Labcorp
Classification: Uncertain significance. Last evaluated: 2025-10-13. Review status: criteria provided, single submitter. Criteria: Invitae Variant Classification Sherloc (09022015). Collection method: clinical testing. Allele origin: germline.
Comment: This sequence change replaces isoleucine, which is neutral and non-polar, with valine, which is neutral and non-polar, at codon 931 of the CTR9 protein (p.Ile931Val). This variant is present in population databases (rs144369097, gnomAD 0.006%). This variant has not been reported in the literature in individuals affected with CTR9-related conditions. ClinVar contains an entry for this variant (Variation ID: 1355536). An algorithm developed to predict the effect of missense changes on protein structure and function outputs the following: PolyPhen-2: "Benign". The valine amino acid residue is found in multiple mammalian species, which suggests that this missense change does not adversely affect protein function. In summary, the available evidence is currently insufficient to determine the role of this variant in disease. Therefore, it has been classified as a Variant of Uncertain Significance.

NM_014633.5(CTR9):c.2791A>G (p.Ile931Val)

Gene: CTR9 (CTR9 component of Paf1/RNA polymerase II complex; plus strand). Cytogenetic location: 11p15.4.
Variant type: single nucleotide variant.
Coding change: c.2791A>G on transcript NM_014633.5 (MANE Select); coding-DNA position 2791, A replaced by G.
Protein change: p.Ile931Val; replaces isoleucine 931 with valine.
Molecular consequence: missense variant.
Genome position (GRCh38, 1-based): chr11:10,774,075, A>G. VCF-style: chr11-10774075-A-G. GRCh37 (hg19) VCF-style: chr11-10795622-A-G.
Other names: c.2719A>G, p.Ile907Val (NM_001346279.2); short protein forms I931V, I907V.
Identifiers: ClinVar variation 1355536 (VCV001355536.6), dbSNP rs144369097, ClinGen allele CA5885419.